The following is an entry in ClinVar:

ClinVar aggregate classification (germline): Uncertain significance. Review status: criteria provided, multiple submitters, no conflicts (2 of 4 stars). 2 submissions from 2 submitters: Uncertain significance (2). Last evaluated 2022-01-11.

Conditions:
Ataxia-telangiectasia-like disorder (ATLD). Identifiers: MedGen C1858391, MONDO:0011457.
Hereditary cancer-predisposing syndrome. Also called: Neoplastic Syndromes, Hereditary; Tumor predisposition; Hereditary neoplastic syndrome; Hereditary Cancer Syndrome. Identifiers: Orphanet 140162, MedGen C0027672, MeSH D009386, MONDO:0015356.

Allele frequency attached by ClinVar (database versions not stated): gnomAD exomes below 0.00001.
gnomAD v4.1: 2 of 1,612,882 alleles (0.00012%); highest among the groups gnomAD compares: Non-Finnish European, 0.00017%; no homozygotes.

Submissions (2):

Labcorp Genetics (formerly Invitae), Labcorp
Classification: Uncertain significance for Ataxia-telangiectasia-like disorder. Last evaluated: 2022-01-11. Review status: criteria provided, single submitter. Criteria: Invitae Variant Classification Sherloc (09022015). Collection method: clinical testing. Allele origin: germline.
Comment: This sequence change replaces lysine, which is basic and polar, with asparagine, which is neutral and polar, at codon 175 of the MRE11 protein (p.Lys175Asn). In summary, the available evidence is currently insufficient to determine the role of this variant in disease. Therefore, it has been classified as a Variant of Uncertain Significance. Algorithms developed to predict the effect of missense changes on protein structure and function are either unavailable or do not agree on the potential impact of this missense change (SIFT: "Deleterious"; PolyPhen-2: "Probably Damaging"; Align-GVGD: "Class C0"). ClinVar contains an entry for this variant (Variation ID: 825592). This variant has not been reported in the literature in individuals affected with MRE11-related conditions. This variant is not present in population databases (gnomAD no frequency).

Ambry Genetics
Classification: Uncertain significance for Hereditary cancer-predisposing syndrome. Last evaluated: 2019-11-18. Review status: criteria provided, single submitter. Criteria: Ambry Variant Classification Scheme 2023. Collection method: clinical testing. Allele origin: germline.
Comment: The p.K175N variant (also known as c.525G>T), located in coding exon 5 of the MRE11A gene, results from a G to T substitution at nucleotide position 525. The lysine at codon 175 is replaced by asparagine, an amino acid with similar properties. This amino acid position is highly conserved in available vertebrate species. In addition, the in silico prediction for this alteration is inconclusive. Since supporting evidence is limited at this time, the clinical significance of this alteration remains unclear.

NM_005591.4(MRE11):c.525G>T (p.Lys175Asn)

Gene: MRE11 (MRE11 double strand break repair nuclease; minus strand). Cytogenetic location: 11q21.
Variant type: single nucleotide variant.
Coding change: c.525G>T on transcript NM_005591.4 (MANE Select); coding-DNA position 525, G replaced by T.
Protein change: p.Lys175Asn; replaces lysine 175 with asparagine.
Molecular consequence: missense variant.
Genome position (GRCh38, 1-based): chr11:94,478,754, C>A on the plus strand (G>T on the coding strand, the complement: MRE11 is on the minus strand). VCF-style: chr11-94478754-C-A. GRCh37 (hg19) VCF-style: chr11-94211920-C-A.
Other names: c.525G>T, p.Lys175Asn (NM_001330347.2, NM_005590.4); short protein forms K175N.
Identifiers: ClinVar variation 825592 (VCV000825592.9), dbSNP rs1591706892, ClinGen allele CA382377285.